The following is an entry in ClinVar:

ClinVar aggregate classification (germline): Benign/Likely benign. Review status: criteria provided, multiple submitters, no conflicts (2 of 4 stars). 3 submissions from 3 submitters: Benign (1); Likely benign (1). 1 of the submissions does not count toward it. Last evaluated 2026-01-01.

Conditions:
Developmental and epileptic encephalopathy, 37 (DEE37). Also called: Epileptic encephalopathy, early infantile, 37. Identifiers: MedGen C4310770, MONDO:0014859, OMIM 616981.
FRRS1L-related disorder. Also called: FRRS1L-related condition.

Allele frequency attached by ClinVar (database versions not stated): ExAC 0.01189; TOPMed 0.00016; gnomAD 0.00069 and 0.00002; gnomAD exomes 0.00392; 1000 Genomes Project 0.00399; 1000 Genomes Project 30x 0.00453.

Submissions (3):

Labcorp Genetics (formerly Invitae), Labcorp
Classification: Benign for Developmental and epileptic encephalopathy, 37. Last evaluated: 2026-01-01. Review status: criteria provided, single submitter. Criteria: Invitae Variant Classification Sherloc (09022015). Collection method: clinical testing. Allele origin: germline.

GeneDx
Classification: Likely benign. Last evaluated: 2021-04-13. Review status: criteria provided, single submitter. Criteria: GeneDx Variant Classification Process June 2021. Collection method: clinical testing. Allele origin: germline. Affected: yes.

PreventionGenetics, part of Exact Sciences
Classification: Benign for FRRS1L-related condition. Last evaluated: 2019-04-03. Review status: no assertion criteria provided. Collection method: clinical testing. Allele origin: germline. Not counted in ClinVar's aggregate classification.
Comment: This variant is classified as benign based on ACMG/AMP sequence variant interpretation guidelines (Richards et al. 2015 PMID: 25741868, with internal and published modifications).

NM_014334.3(FRRS1L):c.1A>T (p.Met1Leu)

Gene: FRRS1L (ferric chelate reductase 1 like; minus strand). Cytogenetic location: 9q31.3.
Variant type: single nucleotide variant.
Coding change: c.1A>T on transcript NM_014334.3; coding-DNA position 1, A replaced by T.
Protein change: p.Met1Leu; changes the start codon (methionine 1).
Genome position (GRCh38, 1-based): chr9:109,167,291, T>A on the plus strand (A>T on the coding strand, the complement: FRRS1L is on the minus strand). VCF-style: chr9-109167291-T-A. GRCh37 (hg19) VCF-style: chr9-111929571-T-A.
Identifiers: ClinVar variation 476299 (VCV000476299.14), dbSNP rs527415212, ClinGen allele CA5177511.
Genomic context (GRCh38, chr9:109,167,291, plus strand): 5'-CACGCGCCCGCGCAGCCGCGGAGCCTCCCGCACCCCCGCCTCCCTGCCTCGGTCTGCGCA[T>A]CCTCGCTCCAGCACCGCAGCCTCCCCCTTCTTCTTGGAACCCCCCTCCTCCCCGCACCGA-3'
Protein context (NP_055149.3, residues 1-11): [Met1Leu]ARPPRQHPGV